The following is an entry in ClinVar:

ClinVar aggregate classification (germline): Pathogenic (0 of 4 stars; one submission).

Conditions:
Hypermanganesemia with dystonia, polycythemia, and cirrhosis (HMNDYT1). Also called: Cirrhosis - dystonia - polycythemia - hypermanganesemia syndrome; Hypermanganesemia with Dystonia 1; Hepatic Cirrhosis, Dystonia, Polycythemia and Hypermanganesemia. Identifiers: Orphanet 309854, MedGen C2750442, MONDO:0013208, OMIM 613280.

Submission:

GeneReviews
Classification: Pathogenic for Dystonia/Parkinsonism, Hypermanganesemia, Polycythemia, and Chronic Liver Disease. Last evaluated: 2012-08-30. Review status: no assertion criteria provided. Collection method: curation. Allele origin: unknown.
ClinVar note: Converted during submission from pathologic to Pathogenic.

nsv1067840

Genes: SLC30A10 (solute carrier family 30 member 10; minus strand), LOC129388752 (MPRA-validated peak704 silencer; plus strand). Cytogenetic location: 1q41.
Variant type: Deletion.
Other names: NCBI Build 36.3:g.chr1:218.057.426_218.158.564del101139.
Identifiers: ClinVar variation 38295 (VCV000038295.3).